The following is an entry in ClinVar:

NM_001429.4(EP300):c.7161T>C (p.Gly2387=)

Gene: EP300 (EP300 lysine acetyltransferase; plus strand). Cytogenetic location: 22q13.2.
Variant type: single nucleotide variant.
Coding change: c.7161T>C on transcript NM_001429.4 (MANE Select); coding-DNA position 7161, T replaced by C.
Protein change: p.Gly2387=; no amino-acid change (glycine 2387 retained).
Molecular consequence: synonymous variant.
Genome position (GRCh38, 1-based): chr22:41,178,872, T>C. VCF-style: chr22-41178872-T-C. GRCh37 (hg19) VCF-style: chr22-41574876-T-C.
Other names: c.7083T>C, p.Gly2361= (NM_001362843.2).
Identifiers: ClinVar variation 730757 (VCV000730757.17), dbSNP rs143148170, ClinGen allele CA10254048.

ClinVar aggregate classification (germline): Likely benign. Review status: criteria provided, multiple submitters, no conflicts (2 of 4 stars). 5 submissions from 5 submitters: Likely benign (3). 2 of the submissions do not count toward it. Last evaluated 2026-01-19.

Conditions:
Rubinstein-Taybi syndrome due to EP300 haploinsufficiency. Also called: RUBINSTEIN-TAYBI SYNDROME 2; EP300-Related Rubinstein-Taybi Syndrome. Identifiers: Orphanet 353284, Orphanet 783, MedGen C3150941, MONDO:0013364, OMIM 613684.
EP300-related disorder. Also called: EP300-related disorders; EP300-related condition.

Allele frequency attached by ClinVar (database versions not stated): gnomAD exomes 0.00001 and 0.00003; ExAC 0.00005; ESP Exome Variant Server 0.00015; gnomAD 0.00015 and 0.00016; TOPMed 0.00019.
gnomAD v4.1: 40 of 1,614,026 alleles (0.0025%); highest among the groups gnomAD compares: African/African-American, 0.051%; no homozygotes.

Submissions (5):

Labcorp Genetics (formerly Invitae), Labcorp
Classification: Likely benign for Rubinstein-Taybi syndrome due to EP300 haploinsufficiency. Last evaluated: 2026-01-19. Review status: criteria provided, single submitter. Criteria: Invitae Variant Classification Sherloc (09022015). Collection method: clinical testing. Allele origin: germline.

GeneDx
Classification: Likely benign. Last evaluated: 2021-01-25. Review status: criteria provided, single submitter. Criteria: GeneDx Variant Classification Process June 2021. Collection method: clinical testing. Allele origin: germline. Affected: yes.

Breakthrough Genomics
Classification: Likely benign. Review status: criteria provided, single submitter. Criteria: ACMG Guidelines, 2015. Collection method: not provided. Allele origin: germline. Inheritance: Autosomal dominant inheritance. Affected: yes.

Genetic Services Laboratory, University of Chicago
Classification: Likely benign. Last evaluated: 2022-12-23. Review status: no assertion criteria provided. Collection method: clinical testing. Allele origin: germline. Affected: no. Not counted in ClinVar's aggregate classification.

PreventionGenetics, part of Exact Sciences
Classification: Likely benign for EP300-related condition. Last evaluated: 2021-06-17. Review status: no assertion criteria provided. Collection method: clinical testing. Allele origin: germline. Not counted in ClinVar's aggregate classification.
Comment: This variant is classified as likely benign based on ACMG/AMP sequence variant interpretation guidelines (Richards et al. 2015 PMID: 25741868, with internal and published modifications).